The following is an entry in ClinVar:

NM_020166.5(MCCC1):c.676G>T (p.Glu226Ter)

Gene: MCCC1 (methylcrotonyl-CoA carboxylase subunit 1; minus strand). Cytogenetic location: 3q27.1.
Variant type: single nucleotide variant.
Coding change: c.676G>T on transcript NM_020166.5 (MANE Select); coding-DNA position 676, G replaced by T.
Protein change: p.Glu226Ter; replaces glutamic acid 226 with a stop codon.
Molecular consequence: nonsense. On other transcripts: non-coding transcript variant (2).
Genome position (GRCh38, 1-based): chr3:183,071,084, C>A on the plus strand (G>T on the coding strand, the complement: MCCC1 is on the minus strand). VCF-style: chr3-183071084-C-A. GRCh37 (hg19) VCF-style: chr3-182788872-C-A.
Other names: c.325G>T, p.Glu109Ter (NM_001293273.2); c.349G>T, p.Glu117Ter (NM_001363880.1); short protein forms E226*, E109*, E117*.
Identifiers: ClinVar variation 523813 (VCV000523813.9), dbSNP rs1553862845, ClinGen allele CA355329384.
Genomic context (GRCh38, chr3:183,071,084, plus strand): 5'-TCAGCATAGCATCATCATTGAAAGACTTCTTAGCTTCTCTCCGTGCTGACTCTAACTGTT[C>A]TTGAAATTCTTGTTCTGATCTAACAATCCTCATTCCCTAAGAGAGAAAAGATGATTATGA-3'

ClinVar aggregate classification (germline): Pathogenic/Likely pathogenic. Review status: criteria provided, multiple submitters, no conflicts (2 of 4 stars). 3 submissions from 3 submitters: Pathogenic (1); Likely pathogenic (2). Last evaluated 2024-07-06.

Conditions:
3-methylcrotonyl-CoA carboxylase 1 deficiency (MCC1D). Also called: MCCD TYPE 1; METHYLCROTONYLGLYCINURIA TYPE I; MCC 1 deficiency; 3 Alpha methylcrotonylglycinuria 1. Identifiers: Orphanet 6, MedGen CN028786, MONDO:0008861, OMIM 210200.

gnomAD v4.1: 2 of 1,614,202 alleles (0.00012%); highest among the groups gnomAD compares: Non-Finnish European, 0.00017%; no homozygotes.

Submissions (3):

Labcorp Genetics (formerly Invitae), Labcorp
Classification: Pathogenic for 3-methylcrotonyl-CoA carboxylase 1 deficiency. Last evaluated: 2024-07-06. Review status: criteria provided, single submitter. Criteria: Invitae Variant Classification Sherloc (09022015). Collection method: clinical testing. Allele origin: germline.
Comment: This sequence change creates a premature translational stop signal (p.Glu226*) in the MCCC1 gene. It is expected to result in an absent or disrupted protein product. Loss-of-function variants in MCCC1 are known to be pathogenic (PMID: 11181649, 15359379, 22642865). This variant is not present in population databases (gnomAD no frequency). This variant has not been reported in the literature in individuals affected with MCCC1-related conditions. ClinVar contains an entry for this variant (Variation ID: 523813). For these reasons, this variant has been classified as Pathogenic.

Baylor Genetics
Classification: Likely pathogenic for 3-methylcrotonyl-CoA carboxylase 1 deficiency. Last evaluated: 2023-09-23. Review status: criteria provided, single submitter. Criteria: ACMG Guidelines, 2015. Collection method: clinical testing. Allele origin: unknown.

GeneDx
Classification: Likely pathogenic. Last evaluated: 2019-10-14. Review status: criteria provided, single submitter. Criteria: GeneDx Variant Classification Process June 2021. Collection method: clinical testing. Allele origin: germline. Affected: yes.
Comment: Nonsense variant predicted to result in protein truncation or nonsense mediated decay in a gene for which loss-of-function is a known mechanism of disease; Not observed in large population cohorts (Lek et al., 2016); Has not been previously published as pathogenic or benign to our knowledge

Literature cited by the submitters: PubMed 11181649 (cited by Labcorp Genetics (formerly Invitae), Labcorp); PubMed 15359379 (cited by Labcorp Genetics (formerly Invitae), Labcorp); PubMed 22642865 (cited by Labcorp Genetics (formerly Invitae), Labcorp).